The following is an entry in ClinVar:

NM_000052.7(ATP7A):c.3271G>A (p.Ala1091Thr)

Gene: ATP7A (ATPase copper transporting alpha; plus strand). Cytogenetic location: Xq21.1.
Variant type: single nucleotide variant.
Coding change: c.3271G>A on transcript NM_000052.7 (MANE Select); coding-DNA position 3271, G replaced by A.
Protein change: p.Ala1091Thr; replaces alanine 1091 with threonine.
Molecular consequence: missense variant. On other transcripts: non-coding transcript variant (1).
Genome position (GRCh38, 1-based): chrX:78,031,559, G>A. VCF-style: chrX-78031559-G-A. GRCh37 (hg19) VCF-style: chrX-77287057-G-A.
Other names: c.3037G>A, p.Ala1013Thr (NM_001282224.2); short protein forms A1013T, A1091T.
Identifiers: ClinVar variation 2953058 (VCV002953058.3), dbSNP rs2522397414, ClinGen allele CA413603775.

ClinVar aggregate classification (germline): Uncertain significance (1 of 4 stars; one submission).

Conditions:
Menkes kinky-hair syndrome (MNK). Also called: Classic Menkes Disease; Copper transport disease; Menkes Disease. Identifiers: Orphanet 565, MedGen C0022716, MONDO:0010651, OMIM 309400.
Cutis laxa, X-linked (OHS). Also called: EDS IX; Occipital horn syndrome. Identifiers: Orphanet 198, MedGen C0268353, MONDO:0010572, OMIM 304150.
X-linked distal spinal muscular atrophy type 3. Also called: ATP7A-Related Distal Motor Neuropathy; SPINAL MUSCULAR ATROPHY, DISTAL, X-LINKED RECESSIVE; NEURONOPATHY, DISTAL HEREDITARY MOTOR, X-LINKED; NEUROPATHY, DISTAL HEREDITARY MOTOR, X-LINKED. Identifiers: Orphanet 139557, MedGen C1845359, MONDO:0010338, OMIM 300489.

Submission:

Labcorp Genetics (formerly Invitae), Labcorp
Classification: Uncertain significance for X-linked distal spinal muscular atrophy type 3; Cutis laxa, X-linked; Menkes kinky-hair syndrome. Last evaluated: 2023-10-18. Review status: criteria provided, single submitter. Criteria: Invitae Variant Classification Sherloc (09022015). Collection method: clinical testing. Allele origin: germline.
Comment: This sequence change replaces alanine, which is neutral and non-polar, with threonine, which is neutral and polar, at codon 1091 of the ATP7A protein (p.Ala1091Thr). This variant is not present in population databases (gnomAD no frequency). This variant has not been reported in the literature in individuals affected with ATP7A-related conditions. Advanced modeling of protein sequence and biophysical properties (such as structural, functional, and spatial information, amino acid conservation, physicochemical variation, residue mobility, and thermodynamic stability) has been performed at Invitae for this missense variant, however the output from this modeling did not meet the statistical confidence thresholds required to predict the impact of this variant on ATP7A protein function. In summary, the available evidence is currently insufficient to determine the role of this variant in disease. Therefore, it has been classified as a Variant of Uncertain Significance.